The following is an entry in ClinVar:

ClinVar aggregate classification (germline): Likely benign. Review status: criteria provided, multiple submitters, no conflicts (2 of 4 stars). 2 submissions from 2 submitters: Likely benign (2). Last evaluated 2025-12-14.

Conditions:
Amyotrophic lateral sclerosis type 15. Also called: AMYOTROPHIC LATERAL SCLEROSIS 15 WITH FRONTOTEMPORAL DEMENTIA. Identifiers: Orphanet 803, MedGen C3275459, MONDO:0010459, OMIM 300857.

Allele frequency attached by ClinVar (database versions not stated): gnomAD 0.00002; gnomAD exomes 0.00002; TOPMed 0.00004; ExAC 0.00005.
gnomAD v4.1: 23 of 1,204,626 alleles (0.0019%); highest among the groups gnomAD compares: Middle Eastern, 0.069%; no homozygotes.

Submissions (2):

Labcorp Genetics (formerly Invitae), Labcorp
Classification: Likely benign for Amyotrophic lateral sclerosis type 15. Last evaluated: 2025-12-14. Review status: criteria provided, single submitter. Criteria: Invitae Variant Classification Sherloc (09022015). Collection method: clinical testing. Allele origin: germline.

CeGaT Center for Human Genetics Tuebingen
Classification: Likely benign. Last evaluated: 2023-10-01. Review status: criteria provided, single submitter. Criteria: CeGaT Center For Human Genetics Tuebingen Variant Classification Criteria Version 2. Collection method: clinical testing. Allele origin: germline. Affected: yes. Observed: 1 variant allele.
Comment: UBQLN2: BP4

NM_013444.4(UBQLN2):c.195C>T (p.Phe65=)

Gene: UBQLN2 (ubiquilin 2; plus strand). Cytogenetic location: Xp11.21.
Variant type: single nucleotide variant.
Coding change: c.195C>T on transcript NM_013444.4 (MANE Select); coding-DNA position 195, C replaced by T.
Protein change: p.Phe65=; no amino-acid change (phenylalanine 65 retained).
Molecular consequence: synonymous variant.
Genome position (GRCh38, 1-based): chrX:56,564,068, C>T. VCF-style: chrX-56564068-C-T. GRCh37 (hg19) VCF-style: chrX-56590501-C-T.
Identifiers: ClinVar variation 1988072 (VCV001988072.28), dbSNP rs754649110, ClinGen allele CA10430049.